The following is an entry in ClinVar:

NM_000057.4(BLM):c.3607G>A (p.Ala1203Thr)

Gene: BLM (BLM RecQ like helicase; plus strand). Cytogenetic location: 15q26.1.
Variant type: single nucleotide variant.
Coding change: c.3607G>A on transcript NM_000057.4 (MANE Select); coding-DNA position 3607, G replaced by A.
Protein change: p.Ala1203Thr; replaces alanine 1203 with threonine.
Molecular consequence: missense variant. On other transcripts: intron variant (1).
Genome position (GRCh38, 1-based): chr15:90,804,215, G>A. VCF-style: chr15-90804215-G-A. GRCh37 (hg19) VCF-style: chr15-91347445-G-A.
Other names: c.3607G>A, p.Ala1203Thr (NM_001287246.2); c.2482G>A, p.Ala828Thr (NM_001287248.2); c.3359-4922G>A (NM_001287247.2); short protein forms A828T, A1203T.
Identifiers: ClinVar variation 823982 (VCV000823982.6), dbSNP rs1335563585, ClinGen allele CA393847990.

ClinVar aggregate classification (germline): Uncertain significance. Review status: criteria provided, multiple submitters, no conflicts (2 of 4 stars). 2 submissions from 2 submitters: Uncertain significance (2). Last evaluated 2024-11-04.

Conditions:
Hereditary cancer-predisposing syndrome. Also called: Neoplastic Syndromes, Hereditary; Tumor predisposition; Hereditary neoplastic syndrome; Hereditary Cancer Syndrome. Identifiers: Orphanet 140162, MedGen C0027672, MeSH D009386, MONDO:0015356.
Bloom syndrome (BLM). Also called: Bloom-Torre-Machacek syndrome. Identifiers: Orphanet 125, MedGen C0005859, MONDO:0008876, OMIM 210900.

gnomAD v4.1: 1 of 1,614,088 alleles (0.000062%); highest among the groups gnomAD compares: Non-Finnish European, 0.000085%; no homozygotes.

Submissions (2):

Labcorp Genetics (formerly Invitae), Labcorp
Classification: Uncertain significance for Bloom syndrome. Last evaluated: 2024-11-04. Review status: criteria provided, single submitter. Criteria: Invitae Variant Classification Sherloc (09022015). Collection method: clinical testing. Allele origin: germline.
Comment: This sequence change replaces alanine, which is neutral and non-polar, with threonine, which is neutral and polar, at codon 1203 of the BLM protein (p.Ala1203Thr). This variant is not present in population databases (gnomAD no frequency). This variant has not been reported in the literature in individuals affected with BLM-related conditions. ClinVar contains an entry for this variant (Variation ID: 823982). Invitae Evidence Modeling of protein sequence and biophysical properties (such as structural, functional, and spatial information, amino acid conservation, physicochemical variation, residue mobility, and thermodynamic stability) indicates that this missense variant is not expected to disrupt BLM protein function with a negative predictive value of 80%. In summary, the available evidence is currently insufficient to determine the role of this variant in disease. Therefore, it has been classified as a Variant of Uncertain Significance.

Ambry Genetics
Classification: Uncertain significance for Hereditary cancer-predisposing syndrome. Last evaluated: 2019-04-10. Review status: criteria provided, single submitter. Criteria: Ambry Variant Classification Scheme 2023. Collection method: clinical testing. Allele origin: germline.
Comment: The p.A1203T variant (also known as c.3607G>A), located in coding exon 18 of the BLM gene, results from a G to A substitution at nucleotide position 3607. The alanine at codon 1203 is replaced by threonine, an amino acid with similar properties. This amino acid position is highly conserved in available vertebrate species. In addition, this alteration is predicted to be tolerated by in silico analysis. Since supporting evidence is limited at this time, the clinical significance of this alteration remains unclear.